The following is an entry in ClinVar:

NM_001291303.3(FAT4):c.1624C>T (p.Arg542Cys)

Gene: FAT4 (FAT atypical cadherin 4; plus strand). Cytogenetic location: 4q28.1.
Variant type: single nucleotide variant.
Coding change: c.1624C>T on transcript NM_001291303.3 (MANE Select); coding-DNA position 1624, C replaced by T.
Protein change: p.Arg542Cys; replaces arginine 542 with cysteine.
Molecular consequence: missense variant.
Genome position (GRCh38, 1-based): chr4:125,318,035, C>T. VCF-style: chr4-125318035-C-T. GRCh37 (hg19) VCF-style: chr4-126239190-C-T.
Other names: c.1624C>T, p.Arg542Cys (NM_001291285.3, NM_024582.6); c.1624C>T (NM_024582.5); short protein forms R542C.
Identifiers: ClinVar variation 1921644 (VCV001921644.6), dbSNP rs2530429387, ClinGen allele CA358118301.

ClinVar aggregate classification (germline): Uncertain significance. Review status: criteria provided, multiple submitters, no conflicts (2 of 4 stars). 2 submissions from 2 submitters: Uncertain significance (2). Last evaluated 2026-01-23.

Conditions:
Hennekam lymphangiectasia-lymphedema syndrome 2 (HKLLS2). Identifiers: Orphanet 2136, MedGen C4014939, MONDO:0014454, OMIM 616006.
Van Maldergem syndrome 2 (VMLDS2). Identifiers: Orphanet 314679, MedGen C3809875, MONDO:0014242, OMIM 615546.

Allele frequency attached by ClinVar (database versions not stated): gnomAD exomes below 0.00001; gnomAD 0.00001.
gnomAD v4.1: 3 of 1,614,038 alleles (0.00019%); highest among the groups gnomAD compares: Non-Finnish European, 0.00025%; no homozygotes.

Submissions (2):

Labcorp Genetics (formerly Invitae), Labcorp
Classification: Uncertain significance. Last evaluated: 2026-01-23. Review status: criteria provided, single submitter. Criteria: Invitae Variant Classification Sherloc (09022015). Collection method: clinical testing. Allele origin: germline.
Comment: This sequence change replaces arginine, which is basic and polar, with cysteine, which is neutral and slightly polar, at codon 542 of the FAT4 protein (p.Arg542Cys). This variant is not present in population databases (gnomAD no frequency). This variant has not been reported in the literature in individuals affected with FAT4-related conditions. ClinVar contains an entry for this variant (Variation ID: 1921644). Invitae Evidence Modeling of protein sequence and biophysical properties (such as structural, functional, and spatial information, amino acid conservation, physicochemical variation, residue mobility, and thermodynamic stability) indicates that this missense variant is expected to disrupt FAT4 protein function with a positive predictive value of 80%. In summary, the available evidence is currently insufficient to determine the role of this variant in disease. Therefore, it has been classified as a Variant of Uncertain Significance.

Fulgent Genetics
Classification: Uncertain significance for Van Maldergem syndrome 2; Hennekam lymphangiectasia-lymphedema syndrome 2. Last evaluated: 2024-01-16. Review status: criteria provided, single submitter. Criteria: ACMG Guidelines, 2015. Collection method: clinical testing. Allele origin: germline.